The following is an entry in ClinVar:

ClinVar aggregate classification (germline): Uncertain significance (1 of 4 stars; one submission).

Conditions:
Joubert syndrome. Also called: Familial aplasia of the vermis; CEREBELLOPARENCHYMAL DISORDER IV; JOUBERT-BOLTSHAUSER SYNDROME. Identifiers: Orphanet 475, MedGen C5979921, MONDO:0018772.

Allele frequency attached by ClinVar (database versions not stated): TOPMed 0.00001; gnomAD 0.00002.
gnomAD v4.1: 20 of 1,466,412 alleles (0.0014%); highest among the groups gnomAD compares: Non-Finnish European, 0.0015%; no homozygotes.

Submission:

Labcorp Genetics (formerly Invitae), Labcorp
Classification: Uncertain significance for Joubert syndrome. Last evaluated: 2020-08-16. Review status: criteria provided, single submitter. Criteria: Invitae Variant Classification Sherloc (09022015). Collection method: clinical testing. Allele origin: germline.
Comment: In summary, the available evidence is currently insufficient to determine the role of this variant in disease. Therefore, it has been classified as a Variant of Uncertain Significance. Algorithms developed to predict the effect of missense changes on protein structure and function (SIFT, PolyPhen-2, Align-GVGD) all suggest that this variant is likely to be tolerated, but these predictions have not been confirmed by published functional studies and their clinical significance is uncertain. This variant has not been reported in the literature in individuals with INPP5E-related conditions. The frequency data for this variant in the population databases is considered unreliable, as metrics indicate insufficient coverage at this position in the ExAC database. This sequence change replaces glutamic acid with aspartic acid at codon 6 of the INPP5E protein (p.Glu6Asp). The glutamic acid residue is weakly conserved and there is a small physicochemical difference between glutamic acid and aspartic acid.

NM_019892.6(INPP5E):c.18G>C (p.Glu6Asp)

Gene: INPP5E (inositol polyphosphate-5-phosphatase E; minus strand). Cytogenetic location: 9q34.3.
Variant type: single nucleotide variant.
Coding change: c.18G>C on transcript NM_019892.6 (MANE Select); coding-DNA position 18, G replaced by C.
Protein change: p.Glu6Asp; replaces glutamic acid 6 with aspartic acid.
Molecular consequence: missense variant.
Genome position (GRCh38, 1-based): chr9:136,439,402, C>G on the plus strand (G>C on the coding strand, the complement: INPP5E is on the minus strand). VCF-style: chr9-136439402-C-G. GRCh37 (hg19) VCF-style: chr9-139333854-C-G.
Other names: c.18G>C, p.Glu6Asp (NM_001318502.2); short protein forms E6D.
Identifiers: ClinVar variation 1004400 (VCV001004400.9), dbSNP rs1461388293, ClinGen allele CA375572081.
Genomic context (GRCh38, chr9:136,439,402, plus strand): 5'-CTGTCCTTGGAGCGTCCTCCCTTCCGGCGGCTGCGGGGCCGGCTCGGAGGGCCGCAGATT[C>G]TCCGCCTTGGACGGCATGGACGGTCTCTCCCGGGGCAGGCCTCGGCGCGAGGCCGCAGGC-3'
Protein context (NP_063945.2, residues 1-16): MPSKA[Glu6Asp]NLRPSEPAPQ